The following is an entry in ClinVar:

ClinVar aggregate classification (germline): Uncertain significance (0 of 4 stars; one submission).

Conditions:
PPARG-related disorder. Also called: PPARG-related disorders; PPARG-related condition.

gnomAD v4.1: 10 of 1,614,036 alleles (0.00062%); highest among the groups gnomAD compares: Non-Finnish European, 0.00085%; no homozygotes.

Submission:

PreventionGenetics, part of Exact Sciences
Classification: Uncertain significance for PPARG-related condition. Last evaluated: 2024-08-05. Review status: no assertion criteria provided. Collection method: clinical testing. Allele origin: germline.
Comment: The PPARG c.764C>T variant is predicted to result in the amino acid substitution p.Pro255Leu. This variant was reported in a study of individuals with a suspected dyslipidemia, although no additional information was provided that could help establish pathogenicity (Table S2, Deshotels et al. 2022. PubMed ID: 36325899). This variant has not been reported in a large population database, indicating this variant is rare. At this time, the clinical significance of this variant is uncertain due to the absence of conclusive functional and genetic evidence.

NM_138711.6(PPARG):c.674C>T (p.Pro225Leu)

Genes: PPARG (peroxisome proliferator activated receptor gamma; plus strand), LOC114803475 (PPARG eExon liver enhancer; plus strand). Cytogenetic location: 3p25.2.
Variant type: single nucleotide variant.
Coding change: c.674C>T on transcript NM_138711.6 (MANE Select); coding-DNA position 674, C replaced by T.
Protein change: p.Pro225Leu; replaces proline 225 with leucine.
Molecular consequence: missense variant. On other transcripts: intron variant (2).
Genome position (GRCh38, 1-based): chr3:12,406,026, C>T. VCF-style: chr3-12406026-C-T. GRCh37 (hg19) VCF-style: chr3-12447525-C-T.
Other names: c.674C>T, p.Pro225Leu (NM_001330615.4, NM_001354666.3, NM_001354667.3 and 6 more transcripts); c.764C>T, p.Pro255Leu (NM_001354668.2, NM_001374265.1, NM_015869.5); c.680C>T, p.Pro227Leu (NM_001354670.2); c.103-10678C>T (NM_001354669.2); c.653+27C>T (NM_001374266.1); short protein forms P225L, P227L, P255L.
Identifiers: ClinVar variation 3356360 (VCV003356360.1).